The following is an entry in ClinVar:

ClinVar aggregate classification (germline): Uncertain significance. Review status: criteria provided, multiple submitters, no conflicts (2 of 4 stars). 4 submissions from 4 submitters: Uncertain significance (4). Last evaluated 2024-08-22.

Conditions:
Inborn genetic diseases. Identifiers: MedGen C0950123, MeSH D030342.
COG1 congenital disorder of glycosylation (CDG2G). Also called: CONGENITAL DISORDER OF GLYCOSYLATION, TYPE IIg; CDG IIg; CDGII/COG1 CEREBROCOSTOMANDIBULAR-LIKE SYNDROME. Identifiers: Orphanet 263508, MedGen C2931011, MONDO:0012637, OMIM 611209.

Allele frequency attached by ClinVar (database versions not stated): gnomAD exomes 0.00004 and 0.00006; ExAC 0.00006; ESP Exome Variant Server 0.00008; gnomAD 0.00008 and 0.00009; TOPMed 0.00008.

Submissions (4):

Blueprint Genetics
Classification: Uncertain significance. Last evaluated: 2024-08-22. Review status: criteria provided, single submitter. Criteria: ACMG Guidelines, 2015. Collection method: clinical testing. Allele origin: germline.

Ambry Genetics
Classification: Uncertain significance for Inborn genetic diseases. Last evaluated: 2024-07-14. Review status: criteria provided, single submitter. Criteria: Ambry Variant Classification Scheme 2023. Collection method: clinical testing. Allele origin: germline.

GeneDx
Classification: Uncertain significance. Last evaluated: 2023-03-20. Review status: criteria provided, single submitter. Criteria: GeneDx Variant Classification Process June 2021. Collection method: clinical testing. Allele origin: germline. Affected: yes.
Comment: Not observed at significant frequency in large population cohorts (gnomAD); In silico analysis supports that this missense variant has a deleterious effect on protein structure/function; Has not been previously published as pathogenic or benign to our knowledge

Labcorp Genetics (formerly Invitae), Labcorp
Classification: Uncertain significance for COG1 congenital disorder of glycosylation. Last evaluated: 2022-07-20. Review status: criteria provided, single submitter. Criteria: Invitae Variant Classification Sherloc (09022015). Collection method: clinical testing. Allele origin: germline.
Comment: This sequence change replaces proline, which is neutral and non-polar, with leucine, which is neutral and non-polar, at codon 741 of the COG1 protein (p.Pro741Leu). This variant is present in population databases (rs200395052, gnomAD 0.01%). This variant has not been reported in the literature in individuals affected with COG1-related conditions. ClinVar contains an entry for this variant (Variation ID: 1355015). Algorithms developed to predict the effect of missense changes on protein structure and function are either unavailable or do not agree on the potential impact of this missense change (SIFT: "Tolerated"; PolyPhen-2: "Possibly Damaging"; Align-GVGD: "Class C0"). In summary, the available evidence is currently insufficient to determine the role of this variant in disease. Therefore, it has been classified as a Variant of Uncertain Significance.

NM_018714.3(COG1):c.2222C>T (p.Pro741Leu)

Genes: COG1 (component of oligomeric golgi complex 1; plus strand), LOC125316790 (Sharpr-MPRA regulatory region 2581; plus strand). Cytogenetic location: 17q25.1.
Variant type: single nucleotide variant.
Coding change: c.2222C>T on transcript NM_018714.3 (MANE Select); coding-DNA position 2222, C replaced by T.
Protein change: p.Pro741Leu; replaces proline 741 with leucine.
Molecular consequence: missense variant.
Genome position (GRCh38, 1-based): chr17:73,203,633, C>T. VCF-style: chr17-73203633-C-T. GRCh37 (hg19) VCF-style: chr17-71199772-C-T.
Other names: c.2222C>T (NM_018714.2); short protein forms P741L.
Identifiers: ClinVar variation 1355015 (VCV001355015.6), dbSNP rs200395052, ClinGen allele CA8740405.